The following is an entry in ClinVar:

NM_001256071.3(RNF213):c.8149G>A (p.Asp2717Asn)

Gene: RNF213 (ring finger protein 213; plus strand). Cytogenetic location: 17q25.3.
Variant type: single nucleotide variant.
Coding change: c.8149G>A on transcript NM_001256071.3 (MANE Select); coding-DNA position 8149, G replaced by A.
Protein change: p.Asp2717Asn; replaces aspartic acid 2717 with asparagine.
Molecular consequence: missense variant.
Genome position (GRCh38, 1-based): chr17:80,346,484, G>A. VCF-style: chr17-80346484-G-A. GRCh37 (hg19) VCF-style: chr17-78320284-G-A.
Other names: c.8296G>A, p.Asp2766Asn (NM_001410195.1, NM_020914.5); short protein forms D2717N, D2766N.
Identifiers: ClinVar variation 2501113 (VCV002501113.1), dbSNP rs201535150, ClinGen allele CA8820891.
Genomic context (GRCh38, chr17:80,346,484, plus strand): 5'-TTAGAAAAGAAAGACTCATATCGGAAAGCCATCGCCAGGTTCTTTCCGAAACCGTATGAC[G>A]ACAGCAGGCTGCTTCTGGATGAAATAACACGGGCACAGGATCTTTTTCTGGACGGCGTAC-3'
Protein context (NP_001243000.2, residues 2707-2727): IARFFPKPYD[Asp2717Asn]SRLLLDEITR

ClinVar aggregate classification (germline): Uncertain significance (1 of 4 stars; one submission).

Allele frequency attached by ClinVar (database versions not stated): gnomAD exomes 0.00004; ExAC 0.00007; gnomAD 0.00010; TOPMed 0.00017; ESP Exome Variant Server 0.00023.
gnomAD v4.1: 77 of 1,613,712 alleles (0.0048%); highest among the groups gnomAD compares: Middle Eastern, 0.082%; no homozygotes.

Submission:

Women's Health and Genetics/Laboratory Corporation of America, LabCorp
Classification: Uncertain significance. Last evaluated: 2023-03-22. Review status: criteria provided, single submitter. Criteria: LabCorp Variant Classification Summary - May 2015. Collection method: clinical testing. Allele origin: germline.
Comment: Variant summary: RNF213 c.8149G>A (p.Asp2717Asn) results in a conservative amino acid change in the encoded protein sequence. Four of four in-silico tools predict a benign effect of the variant on protein function. The variant allele was found at a frequency of 8.4e-05 in 251228 control chromosomes (gnomAD). To our knowledge, no occurrence of c.8149G>A in individuals affected with Moyamoya Disease 2 and no experimental evidence demonstrating its impact on protein function have been reported. No clinical diagnostic laboratories have submitted clinical-significance assessments for this variant to ClinVar after 2014. Based on the evidence outlined above, the variant was classified as uncertain significance.